The following is an entry in ClinVar:

NM_020975.6(RET):c.3294C>G (p.Asn1098Lys)

Gene: RET (ret proto-oncogene; plus strand). Cytogenetic location: 10q11.21.
Variant type: single nucleotide variant.
Coding change: c.3294C>G on transcript NM_020975.6 (MANE Select); coding-DNA position 3294, C replaced by G.
Protein change: p.Asn1098Lys; replaces asparagine 1098 with lysine.
Molecular consequence: missense variant. On other transcripts: 3 prime UTR variant (18), intron variant (3).
Genome position (GRCh38, 1-based): chr10:43,128,218, C>G. VCF-style: chr10-43128218-C-G. GRCh37 (hg19) VCF-style: chr10-43623666-C-G.
Other names: c.3294C>G, p.Asn1098Lys (NM_000323.2, NM_001406743.1); c.*1464C>G (NM_001355216.2, NM_001406764.1, NM_001406765.1 and 15 more transcripts); c.3234C>G, p.Asn1078Lys (NM_001406759.1, NM_001406760.1); c.3165C>G, p.Asn1055Lys (NM_001406761.1, NM_001406762.1); c.3159C>G, p.Asn1053Lys (NM_001406763.1); c.3006C>G, p.Asn1002Lys (NM_001406766.1, NM_001406767.1); c.2898C>G, p.Asn966Lys (NM_001406769.1); c.2856C>G, p.Asn952Lys (NM_001406771.1); and 10 more; short protein forms N1002K, N1053K, N1055K, N1078K, N1098K, N595K, N615K, N703K.
Identifiers: ClinVar variation 3227555 (VCV003227555.1), dbSNP rs1298393691, ClinGen allele CA376559177.

ClinVar aggregate classification (germline): Uncertain significance (1 of 4 stars; one submission).

Conditions:
Hereditary cancer-predisposing syndrome. Also called: Neoplastic Syndromes, Hereditary; Tumor predisposition; Hereditary neoplastic syndrome; Hereditary Cancer Syndrome. Identifiers: Orphanet 140162, MedGen C0027672, MeSH D009386, MONDO:0015356.

Submission:

Ambry Genetics
Classification: Uncertain significance for Hereditary cancer-predisposing syndrome. Last evaluated: 2023-11-22. Review status: criteria provided, single submitter. Criteria: Ambry Variant Classification Scheme 2023. Collection method: clinical testing. Allele origin: germline.
Comment: The p.N1098K variant (also known as c.3294C>G), located in coding exon 20 of the RET gene, results from a C to G substitution at nucleotide position 3294. The asparagine at codon 1098 is replaced by lysine, an amino acid with similar properties. This amino acid position is conserved. In addition, the in silico prediction for this alteration is inconclusive. Since supporting evidence is limited at this time, the clinical significance of this alteration remains unclear.